The following is an entry in ClinVar:

ClinVar aggregate classification (germline): Uncertain significance. Review status: criteria provided, multiple submitters, no conflicts (2 of 4 stars). 2 submissions from 2 submitters: Uncertain significance (2). Last evaluated 2023-05-15.

Conditions:
Inborn genetic diseases. Identifiers: MedGen C0950123, MeSH D030342.

Allele frequency attached by ClinVar (database versions not stated): gnomAD exomes below 0.00001; TOPMed below 0.00001.
gnomAD v4.1: 4 of 1,614,100 alleles (0.00025%); highest among the groups gnomAD compares: African/African-American, 0.0027%; no homozygotes.

Submissions (2):

Blueprint Genetics
Classification: Uncertain significance. Last evaluated: 2023-05-15. Review status: criteria provided, single submitter. Criteria: ACMG Guidelines, 2015. Collection method: clinical testing. Allele origin: germline.

Ambry Genetics
Classification: Uncertain significance for Inborn genetic diseases. Last evaluated: 2022-01-07. Review status: criteria provided, single submitter. Criteria: Ambry Variant Classification Scheme 2023. Collection method: clinical testing. Allele origin: germline.
Comment: The p.A448V variant (also known as c.1343C>T), located in coding exon 14 of the MORC2 gene, results from a C to T substitution at nucleotide position 1343. The alanine at codon 448 is replaced by valine, an amino acid with similar properties. This amino acid position is well conserved in available vertebrate species; however, valine is the reference amino acid in other vertebrate species. In addition, this alteration is predicted to be tolerated by in silico analysis. Since supporting evidence is limited at this time, the clinical significance of this alteration remains unclear.

NM_001303256.3(MORC2):c.1343C>T (p.Ala448Val)

Gene: MORC2 (MORC family CW-type zinc finger 2; minus strand). Cytogenetic location: 22q12.2.
Variant type: single nucleotide variant.
Coding change: c.1343C>T on transcript NM_001303256.3 (MANE Select); coding-DNA position 1343, C replaced by T.
Protein change: p.Ala448Val; replaces alanine 448 with valine.
Molecular consequence: missense variant.
Genome position (GRCh38, 1-based): chr22:30,937,841, G>A on the plus strand (C>T on the coding strand, the complement: MORC2 is on the minus strand). VCF-style: chr22-30937841-G-A. GRCh37 (hg19) VCF-style: chr22-31333828-G-A.
Other names: c.1343C>T, p.Ala448Val (NM_001303257.2); c.1157C>T, p.Ala386Val (NM_014941.3); short protein forms A386V, A448V.
Identifiers: ClinVar variation 1770411 (VCV001770411.3), dbSNP rs958295807, ClinGen allele CA323276486.